The following is an entry in ClinVar:

NM_182919.4(TICAM1):c.1534C>T (p.Arg512Trp)

Gene: TICAM1 (TIR domain containing adaptor molecule 1; minus strand). Cytogenetic location: 19p13.3.
Variant type: single nucleotide variant.
Coding change: c.1534C>T on transcript NM_182919.4 (MANE Select); coding-DNA position 1534, C replaced by T.
Protein change: p.Arg512Trp; replaces arginine 512 with tryptophan.
Molecular consequence: missense variant.
Genome position (GRCh38, 1-based): chr19:4,816,844, G>A on the plus strand (C>T on the coding strand, the complement: TICAM1 is on the minus strand). VCF-style: chr19-4816844-G-A. GRCh37 (hg19) VCF-style: chr19-4816856-G-A.
Other names: c.1492C>T, p.Arg498Trp (NM_001385678.1); c.1399C>T, p.Arg467Trp (NM_001385679.1); c.892C>T, p.Arg298Trp (NM_001385680.1); short protein forms R298W, R498W, R512W, R467W.
Identifiers: ClinVar variation 1468151 (VCV001468151.6), dbSNP rs765491561, ClinGen allele CA9105116.

ClinVar aggregate classification (germline): Uncertain significance (1 of 4 stars; one submission).

Conditions:
Encephalopathy, acute, infection-induced (herpes-specific), susceptibility to, 6. Also called: Herpes simplex encephalitis, susceptibility to, 4. Identifiers: Orphanet 1930, MedGen C3553869, MONDO:0013921, OMIM 614850.

gnomAD v4.1: 6 of 1,612,408 alleles (0.00037%); highest among the groups gnomAD compares: Non-Finnish European, 0.00051%; no homozygotes.

Submission:

Labcorp Genetics (formerly Invitae), Labcorp
Classification: Uncertain significance for Encephalopathy, acute, infection-induced (herpes-specific), susceptibility to, 6. Last evaluated: 2021-07-24. Review status: criteria provided, single submitter. Criteria: Invitae Variant Classification Sherloc (09022015). Collection method: clinical testing. Allele origin: germline.
Comment: This variant is present in population databases (rs765491561, ExAC 0.002%). In summary, the available evidence is currently insufficient to determine the role of this variant in disease. Therefore, it has been classified as a Variant of Uncertain Significance. Algorithms developed to predict the effect of missense changes on protein structure and function output the following: SIFT: "Tolerated"; PolyPhen-2: "Benign"; Align-GVGD: "Class C0". The tryptophan amino acid residue is found in multiple mammalian species, which suggests that this missense change does not adversely affect protein function. This variant has not been reported in the literature in individuals affected with TICAM1-related conditions. This sequence change replaces arginine with tryptophan at codon 512 of the TICAM1 protein (p.Arg512Trp). The arginine residue is weakly conserved and there is a moderate physicochemical difference between arginine and tryptophan.